The following is an entry in ClinVar:

ClinVar aggregate classification (germline): Uncertain significance (1 of 4 stars; one submission).

Conditions:
Joubert syndrome 26 (JBTS26). Identifiers: Orphanet 475, MedGen C4084843, MONDO:0014771, OMIM 616784.

Submission:

New York Genome Center
Classification: Uncertain significance for Joubert syndrome 26. Last evaluated: 2021-07-07. Review status: criteria provided, single submitter. Criteria: NYGC Assertion Criteria 2020. Collection method: clinical testing. Allele origin: inherited. Observed: 1 compound heterozygote. Study: CSER-NYCKidSeq.
Comment: The c.700A>G (p.Ser234Gly) inherited variant in exon 7 of 28 of KATNIP has not been reported in affected individuals in the available literature. This variantis absent in gnomAD v3 indicating it is not a common benign variant in the populations represented in this database. In silico predictors suggest this variant is Benign(REVEL score: 0.036) and Damaging (SIFT score: 0.038). Given the current evidence regarding its pathogenicity, the c.700A>G (p.Ser234Gly) variant identified in theKATNIP gene is classified as a Variant of uncertain significance.

NM_015202.5(KATNIP):c.700A>G (p.Ser234Gly)

Gene: KATNIP (katanin interacting protein; plus strand). Cytogenetic location: 16p12.1.
Variant type: single nucleotide variant.
Coding change: c.700A>G on transcript NM_015202.5 (MANE Select); coding-DNA position 700, A replaced by G.
Protein change: p.Ser234Gly; replaces serine 234 with glycine.
Molecular consequence: missense variant.
Genome position (GRCh38, 1-based): chr16:27,677,888, A>G. VCF-style: chr16-27677888-A-G. GRCh37 (hg19) VCF-style: chr16-27689209-A-G.
Other names: short protein forms S234G.
Identifiers: ClinVar variation 1342576 (VCV001342576.1), dbSNP rs2142761867, ClinGen allele CA395319238.
Genomic context (GRCh38, chr16:27,677,888, plus strand): 5'-GAGCCTGAGCCAGAGGACCCGGCACTGGTGGGCCATCCCAGACATGACCGCCCTCCTTCC[A>G]GTGGCGACTGGACTCAGAAAGATGTTCACGGGGAACAGGAGACAGAAGGACGCTCTTCTC-3'
Protein context (NP_056017.4, residues 224-244): GHPRHDRPPS[Ser234Gly]GDWTQKDVHG